The following is an entry in ClinVar:

ClinVar aggregate classification (germline): Uncertain significance. Review status: criteria provided, multiple submitters, no conflicts (2 of 4 stars). 2 submissions from 2 submitters: Uncertain significance (2). Last evaluated 2023-12-29.

Conditions:
Ehlers-Danlos syndrome, classic type (cEDS). Identifiers: Orphanet 287, MedGen C4225429, MONDO:0007522.

Allele frequency attached by ClinVar (database versions not stated): gnomAD exomes below 0.00001.
gnomAD v4.1: 1 of 1,614,064 alleles (0.000062%); highest among the groups gnomAD compares: Non-Finnish European, 0.000085%; no homozygotes.

Submissions (2):

Blueprint Genetics
Classification: Uncertain significance. Last evaluated: 2023-12-29. Review status: criteria provided, single submitter. Criteria: ACMG Guidelines, 2015. Collection method: clinical testing. Allele origin: germline.

Labcorp Genetics (formerly Invitae), Labcorp
Classification: Uncertain significance for Ehlers-Danlos syndrome, type 1. Last evaluated: 2018-11-26. Review status: criteria provided, single submitter. Criteria: Invitae Variant Classification Sherloc (09022015). Collection method: clinical testing. Allele origin: germline.
Comment: This sequence change replaces cysteine with tyrosine at codon 237 of the COL5A1 protein (p.Cys237Tyr). The cysteine residue is moderately conserved and there is a large physicochemical difference between cysteine and tyrosine. This variant is not present in population databases (ExAC no frequency). This variant has not been reported in the literature in individuals with COL5A1-related disease. Algorithms developed to predict the effect of missense changes on protein structure and function are either unavailable or do not agree on the potential impact of this missense change (SIFT: "Deleterious"; PolyPhen-2: "Probably Damaging"; Align-GVGD: "Class C0"). In summary, the available evidence is currently insufficient to determine the role of this variant in disease. Therefore, it has been classified as a Variant of Uncertain Significance.

NM_000093.5(COL5A1):c.710G>A (p.Cys237Tyr)

Gene: COL5A1 (collagen type V alpha 1 chain; plus strand). Cytogenetic location: 9q34.3.
Variant type: single nucleotide variant.
Coding change: c.710G>A on transcript NM_000093.5 (MANE Select); coding-DNA position 710, G replaced by A.
Protein change: p.Cys237Tyr; replaces cysteine 237 with tyrosine.
Molecular consequence: missense variant.
Genome position (GRCh38, 1-based): chr9:134,727,321, G>A. VCF-style: chr9-134727321-G-A. GRCh37 (hg19) VCF-style: chr9-137619167-G-A.
Other names: c.710G>A, p.Cys237Tyr (NM_001278074.1); short protein forms C237Y.
Identifiers: ClinVar variation 642284 (VCV000642284.4), dbSNP rs1588475947, ClinGen allele CA375446294.
Genomic context (GRCh38, chr9:134,727,321, plus strand): 5'-TCCAGGGTGACATCCAGCAGCTGCTCTTTGTCTCGGACCACCGGGCAGCTTATGATTACT[G>A]TGAGCACTACAGCCCTGACTGTGACACCGCAGTACCTGACACCCCACAGTCGCAGGACCC-3'
Protein context (NP_000084.3, residues 227-247): VSDHRAAYDY[Cys237Tyr]EHYSPDCDTA